The following is an entry in ClinVar:

NM_001290321.3(DMXL1):c.5693T>C (p.Leu1898Pro)

Gene: DMXL1 (Dmx like 1; plus strand). Cytogenetic location: 5q23.1.
Variant type: single nucleotide variant.
Coding change: c.5693T>C on transcript NM_001290321.3 (MANE Select); coding-DNA position 5693, T replaced by C.
Protein change: p.Leu1898Pro; replaces leucine 1898 with proline.
Molecular consequence: missense variant. On other transcripts: non-coding transcript variant (3).
Genome position (GRCh38, 1-based): chr5:119,170,484, T>C. VCF-style: chr5-119170484-T-C. GRCh37 (hg19) VCF-style: chr5-118506179-T-C.
Other names: c.5693T>C, p.Leu1898Pro (NM_001349239.2, NM_001349240.2, NM_001387933.1 and 2 more transcripts); c.4988T>C, p.Leu1663Pro (NM_001387937.1); c.4706T>C, p.Leu1569Pro (NM_001387938.1); short protein forms L1569P, L1663P, L1898P.
Identifiers: ClinVar variation 3035619 (VCV003035619.2), dbSNP rs111332237, ClinGen allele CA3380423.

ClinVar aggregate classification (germline): Benign (0 of 4 stars; one submission).

Conditions:
DMXL1-related disorder. Also called: DMXL1-related condition.

Allele frequency attached by ClinVar (database versions not stated): ExAC 0.00063; gnomAD 0.00214; 1000 Genomes Project 0.00220; TOPMed 0.00235; ESP Exome Variant Server 0.00238; 1000 Genomes Project 30x 0.00281.
gnomAD v4.1: 722 of 1,613,784 alleles (0.045%); highest among the groups gnomAD compares: African/African-American, 0.79%; 1 homozygote.

Submission:

PreventionGenetics, part of Exact Sciences
Classification: Benign for DMXL1-related condition. Last evaluated: 2019-08-09. Review status: no assertion criteria provided. Collection method: clinical testing. Allele origin: germline.
Comment: This variant is classified as benign based on ACMG/AMP sequence variant interpretation guidelines (Richards et al. 2015 PMID: 25741868, with internal and published modifications).